The following is an entry in ClinVar:

NM_016156.6(MTMR2):c.88A>G (p.Thr30Ala)

Gene: MTMR2 (myotubularin related protein 2; minus strand). Cytogenetic location: 11q21.
Variant type: single nucleotide variant.
Coding change: c.88A>G on transcript NM_016156.6 (MANE Select); coding-DNA position 88, A replaced by G.
Protein change: p.Thr30Ala; replaces threonine 30 with alanine.
Molecular consequence: missense variant. On other transcripts: 5 prime UTR variant (3).
Genome position (GRCh38, 1-based): chr11:95,888,254, T>C on the plus strand (A>G on the coding strand, the complement: MTMR2 is on the minus strand). VCF-style: chr11-95888254-T-C. GRCh37 (hg19) VCF-style: chr11-95621418-T-C.
Other names: c.-325A>G (NM_001243571.2); c.-252A>G (NM_201278.3); c.-129A>G (NM_201281.3); short protein forms T30A.
Identifiers: ClinVar variation 2417344 (VCV002417344.5), dbSNP rs148594474, ClinGen allele CA6240463.

ClinVar aggregate classification (germline): Uncertain significance (1 of 4 stars; one submission).

Conditions:
Charcot-Marie-Tooth disease type 4. Also called: Charcot-Marie-Tooth, Type 4; Charcot-Marie-Tooth disease, type IV. Identifiers: Orphanet 64749, MedGen C4082197, MONDO:0018995.

Allele frequency attached by ClinVar (database versions not stated): gnomAD exomes 0.00001; TOPMed 0.00003; ExAC 0.00004; gnomAD 0.00005; ESP Exome Variant Server 0.00015.
gnomAD v4.1: 22 of 1,612,248 alleles (0.0014%); highest among the groups gnomAD compares: African/African-American, 0.027%; no homozygotes.

Submission:

Labcorp Genetics (formerly Invitae), Labcorp
Classification: Uncertain significance for Charcot-Marie-Tooth disease type 4. Last evaluated: 2022-06-21. Review status: criteria provided, single submitter. Criteria: Invitae Variant Classification Sherloc (09022015). Collection method: clinical testing. Allele origin: germline.
Comment: In summary, the available evidence is currently insufficient to determine the role of this variant in disease. Therefore, it has been classified as a Variant of Uncertain Significance. Advanced modeling of protein sequence and biophysical properties (such as structural, functional, and spatial information, amino acid conservation, physicochemical variation, residue mobility, and thermodynamic stability) performed at Invitae indicates that this missense variant is not expected to disrupt MTMR2 protein function. This variant has not been reported in the literature in individuals affected with MTMR2-related conditions. This variant is present in population databases (rs148594474, gnomAD 0.03%). This sequence change replaces threonine, which is neutral and polar, with alanine, which is neutral and non-polar, at codon 30 of the MTMR2 protein (p.Thr30Ala).